The following is an entry in ClinVar:

NM_005559.4(LAMA1):c.6490-3C>A

Gene: LAMA1 (laminin subunit alpha 1; minus strand). Cytogenetic location: 18p11.31.
Variant type: single nucleotide variant.
Coding change: c.6490-3C>A on transcript NM_005559.4 (MANE Select); 3 bases into the intron before coding-DNA position 6490, C replaced by A.
Molecular consequence: intron variant.
Genome position (GRCh38, 1-based): chr18:6,975,039, G>T on the plus strand (C>A on the coding strand, the complement: LAMA1 is on the minus strand). VCF-style: chr18-6975039-G-T. GRCh37 (hg19) VCF-style: chr18-6975038-G-T.
Identifiers: ClinVar variation 1412436 (VCV001412436.6), dbSNP rs771017428, ClinGen allele CA8881205.

ClinVar aggregate classification (germline): Uncertain significance (1 of 4 stars; one submission).

Allele frequency attached by ClinVar (database versions not stated): ExAC 0.00001; gnomAD exomes 0.00001.
gnomAD v4.1: 12 of 1,613,166 alleles (0.00074%); highest among the groups gnomAD compares: South Asian, 0.0011%; no homozygotes.

Submission:

Labcorp Genetics (formerly Invitae), Labcorp
Classification: Uncertain significance. Last evaluated: 2022-03-09. Review status: criteria provided, single submitter. Criteria: Invitae Variant Classification Sherloc (09022015). Collection method: clinical testing. Allele origin: germline.
Comment: In summary, the available evidence is currently insufficient to determine the role of this variant in disease. Therefore, it has been classified as a Variant of Uncertain Significance. Variants that disrupt the consensus splice site are a relatively common cause of aberrant splicing (PMID: 17576681, 9536098). Algorithms developed to predict the effect of sequence changes on RNA splicing suggest that this variant may disrupt the consensus splice site. This variant has not been reported in the literature in individuals affected with LAMA1-related conditions. This variant is present in population databases (rs771017428, gnomAD 0.003%). This sequence change falls in intron 45 of the LAMA1 gene. It does not directly change the encoded amino acid sequence of the LAMA1 protein. It affects a nucleotide within the consensus splice site.

Literature cited by the submitters: PubMed 17576681; PubMed 9536098.